The following is an entry in ClinVar:

ClinVar aggregate classification (germline): Likely benign (1 of 4 stars; one submission).

Allele frequency attached by ClinVar (database versions not stated): gnomAD exomes 0.00092; gnomAD 0.01063 and 0.01153; 1000 Genomes Project 0.01098; TOPMed 0.01118; 1000 Genomes Project 30x 0.01156.
gnomAD v4.1: 2,179 of 732,050 alleles (0.3%); highest among the groups gnomAD compares: African/African-American, 3.5%; 36 homozygotes.

Submission:

GeneDx
Classification: Likely benign. Last evaluated: 2018-06-16. Review status: criteria provided, single submitter. Criteria: GeneDx Variant Classification (06012015). Collection method: clinical testing. Allele origin: germline. Affected: yes.
Comment: This variant is considered likely benign or benign based on one or more of the following criteria: it is a conservative change, it occurs at a poorly conserved position in the protein, it is predicted to be benign by multiple in silico algorithms, and/or has population frequency not consistent with disease.

NM_005751.5(AKAP9):c.9024+133C>T

Gene: AKAP9 (A-kinase anchoring protein 9; plus strand). Cytogenetic location: 7q21.2.
Variant type: single nucleotide variant.
Coding change: c.9024+133C>T on transcript NM_005751.5 (MANE Select); 133 bases into the intron after coding-DNA position 9024, C replaced by T.
Molecular consequence: intron variant.
Genome position (GRCh38, 1-based): chr7:92,085,819, C>T. VCF-style: chr7-92085819-C-T. GRCh37 (hg19) VCF-style: chr7-91715133-C-T.
Other names: c.9000+133C>T (NM_147185.3); c.3669+133C>T (NM_001379277.1).
Identifiers: ClinVar variation 675394 (VCV000675394.1), dbSNP rs114495637, ClinGen allele CA161888566.
Genomic context (GRCh38, chr7:92,085,819, plus strand): 5'-ATTATCTTTTATACATATTTTTGCATGAATAACTATATATATATATTTTCACACTTGAAA[C>T]TCAGCCAGAAGCAGTGCCTCATGCCTGTAATCCCAGCACTTTGGGAGGCCGAGGTGGGTG-3'